The following is an entry in ClinVar:

ClinVar aggregate classification (germline): Uncertain significance. Review status: criteria provided, multiple submitters, no conflicts (2 of 4 stars). 2 submissions from 2 submitters: Uncertain significance (2). Last evaluated 2019-11-08.

Conditions:
Combined malonic and methylmalonic acidemia. Identifiers: Orphanet 289504, MedGen C3280314, MONDO:0013661, OMIM 614265.

Allele frequency attached by ClinVar (database versions not stated): gnomAD exomes below 0.00001.

Submissions (2):

Baylor Genetics
Classification: Uncertain significance for Combined malonic and methylmalonic acidemia. Last evaluated: 2019-11-08. Review status: criteria provided, single submitter. Criteria: ACMG Guidelines, 2015. Collection method: clinical testing. Allele origin: unknown. Affected: yes.
Comment: This variant was determined to be of uncertain significance according to ACMG Guidelines, 2015 [PMID:25741868].

Breakthrough Genomics
Classification: Uncertain significance. Review status: criteria provided, single submitter. Criteria: ACMG Guidelines, 2015. Collection method: not provided. Allele origin: germline. Inheritance: Unknown mechanism. Affected: yes.

NM_001243279.3(ACSF3):c.149C>T (p.Ala50Val)

Gene: ACSF3 (acyl-CoA synthetase family member 3; plus strand). Cytogenetic location: 16q24.3.
Variant type: single nucleotide variant.
Coding change: c.149C>T on transcript NM_001243279.3 (MANE Select); coding-DNA position 149, C replaced by T.
Protein change: p.Ala50Val; replaces alanine 50 with valine.
Molecular consequence: missense variant. On other transcripts: non-coding transcript variant (3), intron variant (1).
Genome position (GRCh38, 1-based): chr16:89,100,830, C>T. VCF-style: chr16-89100830-C-T. GRCh37 (hg19) VCF-style: chr16-89167238-C-T.
Other names: c.149C>T, p.Ala50Val (NM_001127214.4, NM_174917.5); c.-129-1774C>T (NM_001284316.2); short protein forms A50V.
Identifiers: ClinVar variation 1029289 (VCV001029289.2), dbSNP rs1187720594, ClinGen allele CA397133517.